The following is an entry in ClinVar:

NM_001367624.2(ZNF469):c.8842G>T (p.Val2948Leu)

Gene: ZNF469 (zinc finger protein 469; plus strand). Cytogenetic location: 16q24.2.
Variant type: single nucleotide variant.
Coding change: c.8842G>T on transcript NM_001367624.2 (MANE Select); coding-DNA position 8842, G replaced by T.
Protein change: p.Val2948Leu; replaces valine 2948 with leucine.
Molecular consequence: missense variant.
Genome position (GRCh38, 1-based): chr16:88,436,312, G>T. VCF-style: chr16-88436312-G-T. GRCh37 (hg19) VCF-style: chr16-88502720-G-T.
Other names: NM_001127464.1:c.8758G>T; short protein forms V2948L.
Identifiers: ClinVar variation 1764558 (VCV001764558.2), dbSNP rs1178220140, ClinGen allele CA397119548.

ClinVar aggregate classification (germline): Uncertain significance (1 of 4 stars; one submission).

Conditions:
Cardiovascular phenotype. Identifiers: MedGen CN230736.

Submission:

Ambry Genetics
Classification: Uncertain significance for Cardiovascular phenotype. Last evaluated: 2021-08-12. Review status: criteria provided, single submitter. Criteria: Ambry Variant Classification Scheme 2023. Collection method: clinical testing. Allele origin: germline.
Comment: The p.V2920L variant (also known as c.8758G>T), located in coding exon 2 of the ZNF469 gene, results from a G to T substitution at nucleotide position 8758. The valine at codon 2920 is replaced by leucine, an amino acid with highly similar properties. This amino acid position is conserved. In addition, this alteration is predicted to be tolerated by in silico analysis. Since supporting evidence is limited at this time, the clinical significance of this alteration remains unclear.